The following is an entry in ClinVar:

NM_001085487.3(MYSM1):c.1758A>G (p.Ile586Met)

Gene: MYSM1 (Myb like, SWIRM and MPN domains 1; minus strand). Cytogenetic location: 1p32.1.
Variant type: single nucleotide variant.
Coding change: c.1758A>G on transcript NM_001085487.3 (MANE Select); coding-DNA position 1758, A replaced by G.
Protein change: p.Ile586Met; replaces isoleucine 586 with methionine.
Molecular consequence: missense variant.
Genome position (GRCh38, 1-based): chr1:58,668,641, T>C on the plus strand (A>G on the coding strand, the complement: MYSM1 is on the minus strand). VCF-style: chr1-58668641-T-C. GRCh37 (hg19) VCF-style: chr1-59134313-T-C.
Other names: c.1758A>G (NM_001085487.2); short protein forms I586M.
Identifiers: ClinVar variation 1405054 (VCV001405054.5), dbSNP rs764050036, ClinGen allele CA877689.

ClinVar aggregate classification (germline): Uncertain significance. Review status: criteria provided, multiple submitters, no conflicts (2 of 4 stars). 3 submissions from 3 submitters: Uncertain significance (3). Last evaluated 2026-02-11.

Conditions:
Inborn genetic diseases. Identifiers: MedGen C0950123, MeSH D030342.
Bone marrow failure syndrome 4. Identifiers: MedGen C4748257, MONDO:0020856, OMIM 618116.

Allele frequency attached by ClinVar (database versions not stated): gnomAD 0.00004; gnomAD exomes 0.00003; ExAC 0.00004; TOPMed 0.00004.
gnomAD v4.1: 174 of 1,604,944 alleles (0.011%); highest among the groups gnomAD compares: Non-Finnish European, 0.014%; no homozygotes.

Submissions (3):

St. Jude Molecular Pathology, St. Jude Children's Research Hospital
Classification: Uncertain significance for Bone marrow failure syndrome 4. Last evaluated: 2026-02-11. Review status: criteria provided, single submitter. Criteria: St. Jude Assertion Criteria 2020. Collection method: clinical testing. Allele origin: germline.
Comment: The MYSM1 c.1758A>G p.(Ile586Met) missense change has a maximum subpopulation frequency of 0.005% in gnomAD v2.1.1. The in silico tool REVEL predicts a benign effect on protein function, but to our knowledge this prediction has not been confirmed by functional studies. To our knowledge, this variant has not been reported in the literature in individuals with MYSM1-related disease. In summary, the evidence currently available is insufficient to determine the clinical significance of this variant. It has therefore been classified as of uncertain significance.

Ambry Genetics
Classification: Uncertain significance for Inborn genetic diseases. Last evaluated: 2025-08-24. Review status: criteria provided, single submitter. Criteria: Ambry Variant Classification Scheme 2023. Collection method: clinical testing. Allele origin: germline.

Labcorp Genetics (formerly Invitae), Labcorp
Classification: Uncertain significance. Last evaluated: 2022-03-12. Review status: criteria provided, single submitter. Criteria: Invitae Variant Classification Sherloc (09022015). Collection method: clinical testing. Allele origin: germline.
Comment: This sequence change replaces isoleucine, which is neutral and non-polar, with methionine, which is neutral and non-polar, at codon 586 of the MYSM1 protein (p.Ile586Met). This variant is present in population databases (rs764050036, gnomAD 0.005%). This variant has not been reported in the literature in individuals affected with MYSM1-related conditions. Algorithms developed to predict the effect of missense changes on protein structure and function are either unavailable or do not agree on the potential impact of this missense change (SIFT: "Deleterious"; PolyPhen-2: "Possibly Damaging"; Align-GVGD: "Class C0"). In summary, the available evidence is currently insufficient to determine the role of this variant in disease. Therefore, it has been classified as a Variant of Uncertain Significance.